The following is an entry in ClinVar:

NM_001457.4(FLNB):c.5707C>T (p.Pro1903Ser)

Gene: FLNB (filamin B; plus strand). Cytogenetic location: 3p14.3.
Variant type: single nucleotide variant.
Coding change: c.5707C>T on transcript NM_001457.4 (MANE Select); coding-DNA position 5707, C replaced by T.
Protein change: p.Pro1903Ser; replaces proline 1903 with serine.
Molecular consequence: missense variant.
Genome position (GRCh38, 1-based): chr3:58,146,972, C>T. VCF-style: chr3-58146972-C-T. GRCh37 (hg19) VCF-style: chr3-58132699-C-T.
Other names: c.5800C>T, p.Pro1934Ser (NM_001164317.2); c.5674C>T, p.Pro1892Ser (NM_001164318.2); c.5635C>T, p.Pro1879Ser (NM_001164319.2); short protein forms P1892S, P1879S, P1903S, P1934S.
Identifiers: ClinVar variation 2101975 (VCV002101975.4), dbSNP rs2471200232, ClinGen allele CA353355173.

ClinVar aggregate classification (germline): Uncertain significance (1 of 4 stars; one submission).

Submission:

Labcorp Genetics (formerly Invitae), Labcorp
Classification: Uncertain significance. Last evaluated: 2022-10-17. Review status: criteria provided, single submitter. Criteria: Invitae Variant Classification Sherloc (09022015). Collection method: clinical testing. Allele origin: germline.
Comment: In summary, the available evidence is currently insufficient to determine the role of this variant in disease. Therefore, it has been classified as a Variant of Uncertain Significance. Algorithms developed to predict the effect of missense changes on protein structure and function (SIFT, PolyPhen-2, Align-GVGD) all suggest that this variant is likely to be disruptive. This variant has not been reported in the literature in individuals affected with FLNB-related conditions. This variant is not present in population databases (gnomAD no frequency). This sequence change replaces proline, which is neutral and non-polar, with serine, which is neutral and polar, at codon 1903 of the FLNB protein (p.Pro1903Ser).